The following is an entry in ClinVar:

ClinVar aggregate classification (germline): Pathogenic. Review status: criteria provided, multiple submitters, no conflicts (2 of 4 stars). 2 submissions from 2 submitters: Pathogenic (2). Last evaluated 2024-03-28.

Conditions:
Hermansky-Pudlak syndrome (HPS). Also called: ALBINISM WITH HEMORRHAGIC DIATHESIS AND PIGMENTED RETICULOENDOTHELIAL CELLS. Identifiers: Orphanet 79430, MedGen C0079504, MONDO:0019312.

Submissions (2):

Natera, Inc.
Classification: Pathogenic for Hermansky-Pudlak syndrome. Last evaluated: 2024-03-28. Review status: criteria provided, single submitter. Criteria: Natera Variant Classification Schema (03/2026). Collection method: clinical testing. Allele origin: germline.
Comment: The c.1691+1G>A variant in HPS3 is a canonical splice donor site variant predicted to affect pre-mRNA splicing, which may result in an abnormal transcript and altered protein product. This variant is expected to result in nonsense mediated decay, truncation, or a dysfunctional protein product. This variant is rare in the general population with a frequency below the threshold expected for the associated phenotype(s). This variant has been observed in one or more individuals affected with the associated recessive disease, as either homozygous or compound heterozygous with a second variant (PMID: 31898847). Given the available evidence, this variant is classified as Pathogenic.

Labcorp Genetics (formerly Invitae), Labcorp
Classification: Pathogenic. Last evaluated: 2022-05-23. Review status: criteria provided, single submitter. Criteria: Invitae Variant Classification Sherloc (09022015). Collection method: clinical testing. Allele origin: germline.
Comment: For these reasons, this variant has been classified as Pathogenic. Studies have shown that disruption of this splice site results in skipping of exon 9 and introduces a premature termination codon (PMID: 11590544). The resulting mRNA is expected to undergo nonsense-mediated decay. Disruption of this splice site has been observed in individuals with ocular albinism (PMID: 11590544, 31898847). This variant is not present in population databases (gnomAD no frequency). This sequence change affects a donor splice site in intron 9 of the HPS3 gene. RNA analysis indicates that disruption of this splice site induces altered splicing and may result in an absent or disrupted protein product.

Literature cited by the submitters: PubMed 31898847 (cited by Natera, Inc. and Labcorp Genetics (formerly Invitae), Labcorp); PubMed 11590544 (cited by Labcorp Genetics (formerly Invitae), Labcorp).

NM_032383.5(HPS3):c.1691+1G>A

Gene: HPS3 (HPS3 biogenesis of lysosomal organelles complex 2 subunit 1; plus strand). Cytogenetic location: 3q24.
Variant type: single nucleotide variant.
Coding change: c.1691+1G>A on transcript NM_032383.5 (MANE Select); the canonical splice donor site of the intron after coding-DNA position 1691, G replaced by A.
Molecular consequence: splice donor variant.
Genome position (GRCh38, 1-based): chr3:149,157,532, G>A. VCF-style: chr3-149157532-G-A. GRCh37 (hg19) VCF-style: chr3-148875319-G-A.
Other names: c.1196+1G>A (NM_001308258.2); c.1691+1G>A (NM_032383.4).
Identifiers: ClinVar variation 1916246 (VCV001916246.6), dbSNP rs2473107502, ClinGen allele CA354922242.